The following is an entry in ClinVar:

ClinVar aggregate classification (germline): Conflicting classifications of pathogenicity. Review status: criteria provided, conflicting classifications (1 of 4 stars). 2 submissions from 2 submitters: Uncertain significance (1); Likely benign (1). Last evaluated 2025-10-27.

Conditions:
Cardiovascular phenotype. Identifiers: MedGen CN230736.

gnomAD v4.1: 1 of 1,612,996 alleles (0.000062%); highest among the groups gnomAD compares: Non-Finnish European, 0.000085%; no homozygotes.

Submissions (2):

Ambry Genetics
Classification: Likely benign for Cardiovascular phenotype. Last evaluated: 2025-10-27. Review status: criteria provided, single submitter. Criteria: Ambry Variant Classification Scheme 2023. Collection method: clinical testing. Allele origin: germline.

GeneDx
Classification: Uncertain significance. Last evaluated: 2023-03-15. Review status: criteria provided, single submitter. Criteria: GeneDx Variant Classification Process June 2021. Collection method: clinical testing. Allele origin: germline. Affected: yes.
Comment: Not observed at significant frequency in large population cohorts (gnomAD); In silico analysis supports that this missense variant does not alter protein structure/function; Has not been previously published as pathogenic or benign to our knowledge

NM_001365276.2(TNXB):c.8129T>C (p.Val2710Ala)

Gene: TNXB (tenascin XB; minus strand). Cytogenetic location: 6p21.33.
Variant type: single nucleotide variant.
Coding change: c.8129T>C on transcript NM_001365276.2 (MANE Select); coding-DNA position 8129, T replaced by C.
Protein change: p.Val2710Ala; replaces valine 2710 with alanine.
Molecular consequence: missense variant.
Genome position (GRCh38, 1-based): chr6:32,056,600, A>G on the plus strand (T>C on the coding strand, the complement: TNXB is on the minus strand). VCF-style: chr6-32056600-A-G. GRCh37 (hg19) VCF-style: chr6-32024377-A-G.
Other names: c.8129T>C, p.Val2710Ala (NM_019105.8); short protein forms V2710A.
Identifiers: ClinVar variation 2579936 (VCV002579936.2), dbSNP rs1582373258, ClinGen allele CA363549673.